The following is an entry in ClinVar:

ClinVar aggregate classification (germline): Uncertain significance. Review status: criteria provided, multiple submitters, no conflicts (2 of 4 stars). 3 submissions from 3 submitters: Uncertain significance (3). Last evaluated 2025-12-17.

Conditions:
RP1L1-related disorder. Also called: RP1L1-related condition.
Inborn genetic diseases. Identifiers: MedGen C0950123, MeSH D030342.

Allele frequency attached by ClinVar (database versions not stated): gnomAD 0.00004; TOPMed 0.00005; ExAC 0.00006; gnomAD exomes 0.00007 and 0.00010.
gnomAD v4.1: 106 of 1,613,702 alleles (0.0066%); highest among the groups gnomAD compares: South Asian, 0.018%; no homozygotes.

Submissions (3):

Labcorp Genetics (formerly Invitae), Labcorp
Classification: Uncertain significance. Last evaluated: 2025-12-17. Review status: criteria provided, single submitter. Criteria: Invitae Variant Classification Sherloc (09022015). Collection method: clinical testing. Allele origin: germline.
Comment: This sequence change replaces glutamic acid, which is acidic and polar, with lysine, which is basic and polar, at codon 133 of the RP1L1 protein (p.Glu133Lys). This variant is present in population databases (rs749294164, gnomAD 0.02%). This variant has not been reported in the literature in individuals affected with RP1L1-related conditions. ClinVar contains an entry for this variant (Variation ID: 1039365). Invitae Evidence Modeling of protein sequence and biophysical properties (such as structural, functional, and spatial information, amino acid conservation, physicochemical variation, residue mobility, and thermodynamic stability) indicates that this missense variant is not expected to disrupt RP1L1 protein function with a negative predictive value of 80%. In summary, the available evidence is currently insufficient to determine the role of this variant in disease. Therefore, it has been classified as a Variant of Uncertain Significance.

Ambry Genetics
Classification: Uncertain significance for Inborn genetic diseases. Last evaluated: 2025-07-15. Review status: criteria provided, single submitter. Criteria: Ambry Variant Classification Scheme 2023. Collection method: clinical testing. Allele origin: germline.

PreventionGenetics, part of Exact Sciences
Classification: Uncertain significance for RP1L1-related condition. Last evaluated: 2024-12-31. Review status: criteria provided, single submitter. Criteria: ACMG Guidelines, 2015. Collection method: clinical testing. Allele origin: germline.
Comment: The RP1L1 c.397G>A variant is predicted to result in the amino acid substitution p.Glu133Lys. To our knowledge, this variant has not been reported in the literature. This variant is reported in 0.016% of alleles in individuals of South Asian descent in gnomAD. At this time, the clinical significance of this variant is uncertain due to the absence of conclusive functional and genetic evidence.

NM_178857.6(RP1L1):c.397G>A (p.Glu133Lys)

Gene: RP1L1 (RP1 like 1). Cytogenetic location: 8p23.1.
Variant type: single nucleotide variant.
Coding change: c.397G>A on transcript NM_178857.6 (MANE Select); coding-DNA position 397, G replaced by A.
Protein change: p.Glu133Lys; replaces glutamic acid 133 with lysine.
Molecular consequence: missense variant.
Genome position (GRCh38, 1-based): chr8:10,622,805, C>T on the plus strand (G>A on the coding strand, the complement: RP1L1 is on the minus strand). VCF-style: chr8-10622805-C-T. GRCh37 (hg19) VCF-style: chr8-10480315-C-T.
Other names: c.397G>A (NM_178857.5); short protein forms E133K.
Identifiers: ClinVar variation 1039365 (VCV001039365.11), dbSNP rs749294164, ClinGen allele CA4625724.